The following is an entry in ClinVar:

NM_016219.5(MAN1B1):c.*258C>A

Gene: MAN1B1 (mannosidase alpha class 1B member 1; plus strand). Cytogenetic location: 9q34.3.
Variant type: single nucleotide variant.
Coding change: c.*258C>A on transcript NM_016219.5 (MANE Select); 258 bases downstream of the stop codon, C replaced by A.
Molecular consequence: 3 prime UTR variant. On other transcripts: non-coding transcript variant (2).
Genome position (GRCh38, 1-based): chr9:137,108,849, C>A. VCF-style: chr9-137108849-C-A. GRCh37 (hg19) VCF-style: chr9-140003301-C-A.
Other names: c.*258C>A (NM_007230.1).
Identifiers: ClinVar variation 2659806 (VCV002659806.24), dbSNP rs755189897, ClinGen allele CA591206371.
Genomic context (GRCh38, chr9:137,108,849, plus strand): 5'-GGTGGGCTGGGCCGCTGGAGCCTCCGCCTGCTTCCTCCAGAAGACACGAATCATGACTCA[C>A]GATTGCTGAAGCCTGAGCAGGTCTCTGTGGGCCGACCAGAGGGGGGCTTCGAGGTGGTCC-3'

ClinVar aggregate classification (germline): Likely benign (1 of 4 stars; one submission).

gnomAD v4.1: 13 of 640,652 alleles (0.002%); highest among the groups gnomAD compares: Non-Finnish European, 0.0035%; no homozygotes.

Submission:

CeGaT Center for Human Genetics Tuebingen
Classification: Likely benign. Last evaluated: 2023-03-01. Review status: criteria provided, single submitter. Criteria: CeGaT Center For Human Genetics Tuebingen Variant Classification Criteria Version 2. Collection method: clinical testing. Allele origin: germline. Affected: yes. Observed: 1 variant allele.
Comment: MAN1B1: BP4, BP7